The following is an entry in ClinVar:

NM_020738.4(KIDINS220):c.2270_2328dup (p.Asp777delinsLysProLeuThrAlaSerLeuArgIleArgGlnGlyTrpTrpSerSerSerMetAspTer)

Gene: KIDINS220 (kinase D interacting substrate 220; minus strand). Cytogenetic location: 2p25.1.
Variant type: Duplication.
Coding change: c.2270_2328dup on transcript NM_020738.4 (MANE Select); coding-DNA positions 2270 to 2328, 59 bases duplicated.
Protein change: p.Asp777delinsLysProLeuThrAlaSerLeuArgIleArgGlnGlyTrpTrpSerSerSerMetAspTer.
Molecular consequence: nonsense. On other transcripts: non-coding transcript variant (2).
Genome position (GRCh38, 1-based): chr2:8,779,716-8,779,774, 59 bases duplicated. GRCh37 (hg19): chr2:8,919,847-8,919,905.
Other names: c.2273_2331dup, p.Asp778delinsLysProLeuThrAlaSerLeuArgIleArgGlnGlyTrpTrpSerSerSerMetAspTer (NM_001348729.2, NM_001348731.2, NM_001348734.2 and 3 more transcripts); c.2270_2328dup, p.Asp777delinsLysProLeuThrAlaSerLeuArgIleArgGlnGlyTrpTrpSerSerSerMetAspTer (NM_001348732.2, NM_001348735.2, NM_001348738.2 and 3 more transcripts); c.2144_2202dup, p.Asp735delinsLysProLeuThrAlaSerLeuArgIleArgGlnGlyTrpTrpSerSerSerMetAspTer (NM_001348736.2).
Identifiers: ClinVar variation 5006344 (VCV005006344.2).

ClinVar aggregate classification (germline): Likely pathogenic (1 of 4 stars; one submission).

Conditions:
Ventriculomegaly and arthrogryposis. Identifiers: MedGen C5561973, MONDO:0859184, OMIM 619501.
Spastic paraplegia, intellectual disability, nystagmus, and obesity. Also called: Spastic paraplegia, intellectual disability, nystagmus, and obesity;. Identifiers: Orphanet 521390, MedGen C4284592, MONDO:0015007, OMIM 617296.

Submission:

Juno Genomics, Hangzhou Juno Genomics, Inc
Classification: Likely pathogenic for Spastic paraplegia, intellectual disability, nystagmus, and obesity; Ventriculomegaly and arthrogryposis. Review status: criteria provided, single submitter. Criteria: ACMG Guidelines, 2015. Collection method: clinical testing. Allele origin: germline.
Comment: Null variant in a gene where loss of function (LOF) is a known mechanism of disease.;Absent from controls (or at extremely low frequency if recessive) in Genome Aggregation Database.